The following is an entry in ClinVar:

ClinVar aggregate classification (germline): Uncertain significance. Review status: criteria provided, multiple submitters, no conflicts (2 of 4 stars). 2 submissions from 2 submitters: Uncertain significance (2). Last evaluated 2024-11-27.

Conditions:
Lissencephaly 9 with complex brainstem malformation. Identifiers: Orphanet 572013, MedGen C5193029, MONDO:0032677, OMIM 618325.

Allele frequency attached by ClinVar (database versions not stated): gnomAD 0.00001.
gnomAD v4.1: 3 of 1,595,692 alleles (0.00019%); highest among the groups gnomAD compares: Non-Finnish European, 0.00026%; no homozygotes.

Submissions (2):

MVZ Medizinische Genetik Mainz
Classification: Uncertain significance for Lissencephaly 9 with complex brainstem malformation. Last evaluated: 2024-11-27. Review status: criteria provided, single submitter. Criteria: UK Practice Guidelines For Variant Classification V4 01 2020. Collection method: clinical testing. Allele origin: germline. Inheritance: Autosomal dominant inheritance. Affected: yes. Observed: 1 variant allele.
Comment: ACMG Criteria: PP3_MOD,PM2_SUP

CeGaT Center for Human Genetics Tuebingen
Classification: Uncertain significance. Last evaluated: 2022-08-01. Review status: criteria provided, single submitter. Criteria: CeGaT Center For Human Genetics Tuebingen Variant Classification Criteria Version 2. Collection method: clinical testing. Allele origin: germline. Affected: yes. Observed: 1 variant allele.

NM_001394062.1(MACF1):c.1118A>G (p.Tyr373Cys)

Gene: MACF1 (microtubule actin crosslinking factor 1; plus strand). Cytogenetic location: 1p34.3.
Variant type: single nucleotide variant.
Coding change: c.1118A>G on transcript NM_001394062.1 (MANE Select); coding-DNA position 1118, A replaced by G.
Protein change: p.Tyr373Cys; replaces tyrosine 373 with cysteine.
Molecular consequence: missense variant.
Genome position (GRCh38, 1-based): chr1:39,284,415, A>G. VCF-style: chr1-39284415-A-G. GRCh37 (hg19) VCF-style: chr1-39750087-A-G.
Other names: c.1133A>G, p.Tyr378Cys (NM_012090.5); short protein forms Y373C, Y378C.
Identifiers: ClinVar variation 2638690 (VCV002638690.25), dbSNP rs1645606671, ClinGen allele CA339753940.
Genomic context (GRCh38, chr1:39,284,415, plus strand): 5'-ACTTCAAAGAAACAGAAATTCTGGCCAAGGAGAGAGAAAAAGGAAGAATTGAGGAATTAT[A>G]TAAATTACTAGAGGTAAGTGAGCTTATCCTTTGCTGAGACTTGGGGTTTGCTGGTCTGTA-3'
Protein context (NP_001380991.1, residues 363-383): EREKGRIEEL[Tyr373Cys]KLLEVWIEFG